The following is an entry in ClinVar:

NM_198904.4(GABRG2):c.290A>T (p.Tyr97Phe)

Gene: GABRG2 (gamma-aminobutyric acid type A receptor subunit gamma2; plus strand). Cytogenetic location: 5q34.
Variant type: single nucleotide variant.
Coding change: c.290A>T on transcript NM_198904.4 (MANE Select); coding-DNA position 290, A replaced by T.
Protein change: p.Tyr97Phe; replaces tyrosine 97 with phenylalanine.
Molecular consequence: missense variant. On other transcripts: 5 prime UTR variant (2).
Genome position (GRCh38, 1-based): chr5:162,095,525, A>T. VCF-style: chr5-162095525-A-T. GRCh37 (hg19) VCF-style: chr5-161522531-A-T.
Other names: c.290A>T, p.Tyr97Phe (NM_000816.3, NM_001375340.1, NM_001375341.1 and 4 more transcripts); c.281A>T, p.Tyr94Phe (NM_001375339.1); c.224A>T, p.Tyr75Phe (NM_001375345.1, NM_001375346.1); c.203A>T, p.Tyr68Phe (NM_001375347.1); c.-69A>T (NM_001375348.1, NM_001375350.1); c.5A>T, p.Tyr2Phe (NM_001375349.1); short protein forms Y2F, Y75F, Y94F, Y68F, Y97F.
Identifiers: ClinVar variation 1348958 (VCV001348958.8), dbSNP rs2113309275, ClinGen allele CA362183387.
Genomic context (GRCh38, chr5:162,095,525, plus strand): 5'-GTGCACACATTTCTATGTTTCTCTTTACAGTGAAGCCAACGTTAATTCACACAGACATGT[A>T]TGTGAATAGCATTGGTCCAGTGAACGCTATCAATATGGTGAGTTTCCAAATAAAATTCTT-3'
Protein context (NP_944494.1, residues 87-107): VKPTLIHTDM[Tyr97Phe]VNSIGPVNAI

ClinVar aggregate classification (germline): Uncertain significance (1 of 4 stars; one submission).

Conditions:
EPILEPSY, CHILDHOOD ABSENCE, SUSCEPTIBILITY TO, 2 (ECA2). Identifiers: Orphanet 64280, MedGen C1843244, OMIM 607681.
Febrile seizures, familial, 8 (FEB8). Also called: CONVULSIONS, FAMILIAL FEBRILE, 8. Identifiers: Orphanet 36387, MedGen C1969810, MONDO:0011891, OMIM 607681.

Submission:

Labcorp Genetics (formerly Invitae), Labcorp
Classification: Uncertain significance for Febrile seizures, familial, 8; EPILEPSY, CHILDHOOD ABSENCE, SUSCEPTIBILITY TO, 2. Last evaluated: 2021-04-25. Review status: criteria provided, single submitter. Criteria: Invitae Variant Classification Sherloc (09022015). Collection method: clinical testing. Allele origin: germline.
Comment: Advanced modeling of protein sequence and biophysical properties (such as structural, functional, and spatial information, amino acid conservation, physicochemical variation, residue mobility, and thermodynamic stability) performed at Invitae indicates that this missense variant is not expected to disrupt GABRG2 protein function. In summary, the available evidence is currently insufficient to determine the role of this variant in disease. Therefore, it has been classified as a Variant of Uncertain Significance. This variant has not been reported in the literature in individuals with GABRG2-related conditions. This variant is not present in population databases (ExAC no frequency). This sequence change replaces tyrosine with phenylalanine at codon 97 of the GABRG2 protein (p.Tyr97Phe). The tyrosine residue is highly conserved and there is a small physicochemical difference between tyrosine and phenylalanine.